The following is an entry in ClinVar:

ClinVar aggregate classification (germline): Uncertain significance (1 of 4 stars; one submission).

Allele frequency attached by ClinVar (database versions not stated): gnomAD exomes below 0.00001.
gnomAD v4.1: 2 of 1,614,170 alleles (0.00012%); highest among the groups gnomAD compares: Non-Finnish European, 0.00017%; no homozygotes.

Submission:

Labcorp Genetics (formerly Invitae), Labcorp
Classification: Uncertain significance. Last evaluated: 2024-11-21. Review status: criteria provided, single submitter. Criteria: Invitae Variant Classification Sherloc (09022015). Collection method: clinical testing. Allele origin: germline.
Comment: This sequence change replaces arginine, which is basic and polar, with tryptophan, which is neutral and slightly polar, at codon 380 of the GDF5 protein (p.Arg380Trp). This variant is present in population databases (no rsID available, gnomAD 0.0009%). This variant has not been reported in the literature in individuals affected with GDF5-related conditions. ClinVar contains an entry for this variant (Variation ID: 2859636). Invitae Evidence Modeling of protein sequence and biophysical properties (such as structural, functional, and spatial information, amino acid conservation, physicochemical variation, residue mobility, and thermodynamic stability) indicates that this missense variant is expected to disrupt GDF5 protein function with a positive predictive value of 80%. This variant disrupts the p.Arg380 amino acid residue in GDF5. Other variant(s) that disrupt this residue have been determined to be pathogenic (PMID: 18203755). This suggests that this residue is clinically significant, and that variants that disrupt this residue are likely to be disease-causing. In summary, the available evidence is currently insufficient to determine the role of this variant in disease. Therefore, it has been classified as a Variant of Uncertain Significance.

Literature cited by the submitters: PubMed 18203755.

NM_000557.5(GDF5):c.1138C>T (p.Arg380Trp)

Genes: GDF5 (growth differentiation factor 5; minus strand), GDF5-AS1 (GDF5 antisense RNA 1; plus strand). Cytogenetic location: 20q11.22.
Variant type: single nucleotide variant.
Coding change: c.1138C>T on transcript NM_000557.5 (MANE Select); coding-DNA position 1138, C replaced by T.
Protein change: p.Arg380Trp; replaces arginine 380 with tryptophan.
Molecular consequence: missense variant. On other transcripts: non-coding transcript variant (1).
Genome position (GRCh38, 1-based): chr20:35,434,277, G>A on the plus strand (C>T on the coding strand, the complement: GDF5 is on the minus strand). VCF-style: chr20-35434277-G-A. GRCh37 (hg19) VCF-style: chr20-34022075-G-A.
Other names: c.1138C>T, p.Arg380Trp (NM_001319138.2); short protein forms R380W.
Identifiers: ClinVar variation 2859636 (VCV002859636.3), dbSNP rs1291433713, ClinGen allele CA408739659.